The following is an entry in ClinVar:

NM_001271.4(CHD2):c.3540C>T (p.Ser1180=)

Gene: CHD2 (chromodomain helicase DNA binding protein 2; plus strand). Cytogenetic location: 15q26.1.
Variant type: single nucleotide variant.
Coding change: c.3540C>T on transcript NM_001271.4 (MANE Select); coding-DNA position 3540, C replaced by T.
Protein change: p.Ser1180=; no amino-acid change (serine 1180 retained).
Molecular consequence: synonymous variant.
Genome position (GRCh38, 1-based): chr15:92,992,943, C>T. VCF-style: chr15-92992943-C-T. GRCh37 (hg19) VCF-style: chr15-93536173-C-T.
Other names: p.Ser1180=.
Identifiers: ClinVar variation 238880 (VCV000238880.22), dbSNP rs76621355, ClinGen allele CA7748245.

ClinVar aggregate classification (germline): Benign. Review status: criteria provided, multiple submitters, no conflicts (2 of 4 stars). 7 submissions from 7 submitters: Benign (6). 1 of the submissions does not count toward it. Last evaluated 2026-02-03.

Conditions:
CHD2-related disorder. Also called: CHD2-related condition.
Inborn genetic diseases. Identifiers: MedGen C0950123, MeSH D030342.
Developmental and epileptic encephalopathy 94 (DEE94). Also called: CHD2-Related Neurodevelopmental Disorders; Epileptic encephalopathy, childhood-onset. Identifiers: Orphanet 1942, Orphanet 2382, MedGen C3809278, MONDO:0014150, OMIM 615369.

Allele frequency attached by ClinVar (database versions not stated): gnomAD exomes 0.00347; ExAC 0.00399; gnomAD 0.00831 and 0.00866; TOPMed 0.00929; ESP Exome Variant Server 0.00947; 1000 Genomes Project 0.01378; 1000 Genomes Project 30x 0.01421.
gnomAD v4.1: 3,026 of 1,614,084 alleles (0.19%); highest among the groups gnomAD compares: African/African-American, 2.6%; 39 homozygotes.

Submissions (7):

Labcorp Genetics (formerly Invitae), Labcorp
Classification: Benign for Developmental and epileptic encephalopathy 94. Last evaluated: 2026-02-03. Review status: criteria provided, single submitter. Criteria: Invitae Variant Classification Sherloc (09022015). Collection method: clinical testing. Allele origin: germline.

Athena Diagnostics
Classification: Benign. Last evaluated: 2024-04-08. Review status: criteria provided, single submitter. Criteria: Athena Diagnostics Criteria. Collection method: clinical testing. Allele origin: unknown.

Mayo Clinic Laboratories, Mayo Clinic
Classification: Benign. Last evaluated: 2019-02-25. Review status: criteria provided, single submitter. Criteria: ACMG Guidelines, 2015. Collection method: clinical testing. Allele origin: germline. Observed: 6 variant alleles.

Ambry Genetics
Classification: Benign for Inborn genetic diseases. Last evaluated: 2016-04-13. Review status: criteria provided, single submitter. Criteria: Ambry Variant Classification Scheme 2023. Collection method: clinical testing. Allele origin: germline.

GeneDx
Classification: Benign. Last evaluated: 2016-02-05. Review status: criteria provided, single submitter. Criteria: GeneDx Variant Classification (06012015). Collection method: clinical testing. Allele origin: germline. Affected: yes.
Comment: This variant is considered likely benign or benign based on one or more of the following criteria: it is a conservative change, it occurs at a poorly conserved position in the protein, it is predicted to be benign by multiple in silico algorithms, and/or has population frequency not consistent with disease.

Breakthrough Genomics
Classification: Benign. Review status: criteria provided, single submitter. Criteria: ACMG Guidelines, 2015. Collection method: not provided. Allele origin: germline. Inheritance: Autosomal dominant inheritance. Affected: yes.

PreventionGenetics, part of Exact Sciences
Classification: Benign for CHD2-related condition. Last evaluated: 2021-08-20. Review status: no assertion criteria provided. Collection method: clinical testing. Allele origin: germline. Not counted in ClinVar's aggregate classification.
Comment: This variant is classified as benign based on ACMG/AMP sequence variant interpretation guidelines (Richards et al. 2015 PMID: 25741868, with internal and published modifications).